The following is an entry in ClinVar:

NM_004656.4(BAP1):c.1572C>T (p.Thr524=)

Gene: BAP1 (BRCA1 associated deubiquitinase 1; minus strand). Cytogenetic location: 3p21.1.
Variant type: single nucleotide variant.
Coding change: c.1572C>T on transcript NM_004656.4 (MANE Select); coding-DNA position 1572, C replaced by T.
Protein change: p.Thr524=; no amino-acid change (threonine 524 retained).
Molecular consequence: synonymous variant.
Genome position (GRCh38, 1-based): chr3:52,403,573, G>A on the plus strand (C>T on the coding strand, the complement: BAP1 is on the minus strand). VCF-style: chr3-52403573-G-A. GRCh37 (hg19) VCF-style: chr3-52437589-G-A.
Other names: c.1572C>T (NM_004656.2).
Identifiers: ClinVar variation 1119376 (VCV001119376.9), dbSNP rs1705042850, ClinGen allele CA433886156.

ClinVar aggregate classification (germline): Conflicting classifications of pathogenicity. Review status: criteria provided, conflicting classifications (1 of 4 stars). 3 submissions from 3 submitters: Uncertain significance (1); Likely benign (2). Last evaluated 2025-08-17.

Conditions:
BAP1-related tumor predisposition syndrome (TPDS1). Also called: TUMOR PREDISPOSITION SYNDROME 1; COMMON Syndrome; BAP1 tumor predisposition syndrome; Tumor susceptibility linked to germline BAP1 mutations. Identifiers: Orphanet 289539, MedGen C3280492, MONDO:0013692, OMIM 614327.
Hereditary cancer-predisposing syndrome. Also called: Neoplastic Syndromes, Hereditary; Hereditary Cancer Syndrome; Hereditary neoplastic syndrome; Tumor predisposition. Identifiers: Orphanet 140162, MedGen C0027672, MeSH D009386, MONDO:0015356.

Allele frequency attached by ClinVar (database versions not stated): TOPMed below 0.00001.

Submissions (3):

Color Diagnostics, LLC DBA Color Health
Classification: Uncertain significance for Hereditary cancer-predisposing syndrome. Last evaluated: 2025-08-17. Review status: criteria provided, single submitter. Criteria: ACMG Guidelines, 2015. Collection method: clinical testing. Allele origin: germline.
Comment: This variant is located in the BAP1 protein. To our knowledge, functional studies have not been reported for this variant. This variant has not been reported in individuals affected with BAP1-related disorders in the literature. This variant has not been identified in the general population by the Genome Aggregation Database (gnomAD). The available evidence is insufficient to determine the role of this variant in disease conclusively. Therefore, this variant is classified as a Variant of Uncertain Significance.

Ambry Genetics
Classification: Likely benign for Hereditary cancer-predisposing syndrome. Last evaluated: 2023-03-18. Review status: criteria provided, single submitter. Criteria: Ambry Variant Classification Scheme 2023. Collection method: clinical testing. Allele origin: germline.

Labcorp Genetics (formerly Invitae), Labcorp
Classification: Likely benign for BAP1-related tumor predisposition syndrome. Last evaluated: 2020-11-26. Review status: criteria provided, single submitter. Criteria: Invitae Variant Classification Sherloc (09022015). Collection method: clinical testing. Allele origin: germline.